The following is an entry in ClinVar:

ClinVar aggregate classification (germline): Uncertain significance (1 of 4 stars; one submission).

Conditions:
Renal cell carcinoma. Identifiers: Orphanet 217071, MedGen C0007134, MeSH D002292, MONDO:0005086, HP:0005584.

Submission:

Labcorp Genetics (formerly Invitae), Labcorp
Classification: Uncertain significance for Renal cell carcinoma. Last evaluated: 2016-08-18. Review status: criteria provided, single submitter. Criteria: Invitae Variant Classification Sherloc (09022015). Collection method: clinical testing. Allele origin: germline.
Comment: Experimental studies addressing the potential impact of this in-frame deletion on MET protein function have not been reported. In summary, this variant is a novel in-frame deletion with uncertain impact on protein function. It has been classified as a Variant of Uncertain Significance. This variant is not present in population databases (ExAC no frequency) and has not been reported in the literature in individuals with a MET-related disease. This sequence change deletes 3 nucleotides from exon 6 of the MET mRNA (c.1812_1814delCCT). This leads to the deletion of 1 amino acid residue in the MET protein (p.Leu605del), but otherwise preserves the integrity of the reading frame.

NM_000245.4(MET):c.1812_1814del (p.Leu605del)

Gene: MET (MET proto-oncogene, receptor tyrosine kinase; plus strand). Cytogenetic location: 7q31.2.
Variant type: Deletion.
Coding change: c.1812_1814del on transcript NM_000245.4 (MANE Select); coding-DNA positions 1812 to 1814, 3 bases deleted (CCT; older notation c.1812_1814delCCT).
Protein change: p.Leu605del; deletes leucine 605.
Molecular consequence: inframe deletion.
Genome position (GRCh38, 1-based): chr7:116,755,465-116,755,467, CCT deleted; deleting any 3 consecutive bases within chr7:116,755,463-116,755,467 gives the same sequence; the c. name uses the placement nearest the transcript's 3' end. VCF-style (leftmost placement, unchanged base first): chr7-116755462-TCTC-T. GRCh37 (hg19) VCF-style: chr7-116395516-TCTC-T.
Other names: c.1812_1814del, p.Leu605del (NM_001127500.3, NM_001324401.3); c.522_524del, p.Leu175del (NM_001324402.2); short protein forms L605del, L175del.
Identifiers: ClinVar variation 411892 (VCV000411892.46), dbSNP rs1060503535, ClinGen allele CA16612145.